The following is an entry in ClinVar:

ClinVar aggregate classification (germline): Likely benign. Review status: criteria provided, multiple submitters, no conflicts (2 of 4 stars). 2 submissions from 2 submitters: Likely benign (2). Last evaluated 2024-01-22.

Conditions:
Fanconi anemia (FA). Also called: Fanconi's anemia. Identifiers: Orphanet 84, MedGen C0015625, MeSH D005199, MONDO:0019391.

Allele frequency attached by ClinVar (database versions not stated): gnomAD exomes below 0.00001; TOPMed below 0.00001; gnomAD 0.00001.
gnomAD v4.1: 5 of 1,614,086 alleles (0.00031%); highest among the groups gnomAD compares: South Asian, 0.0022%; no homozygotes.

Submissions (2):

Labcorp Genetics (formerly Invitae), Labcorp
Classification: Likely benign for Fanconi anemia. Last evaluated: 2024-01-22. Review status: criteria provided, single submitter. Criteria: Invitae Variant Classification Sherloc (09022015). Collection method: clinical testing. Allele origin: germline.

CeGaT Center for Human Genetics Tuebingen
Classification: Likely benign. Last evaluated: 2023-12-01. Review status: criteria provided, single submitter. Criteria: CeGaT Center For Human Genetics Tuebingen Variant Classification Criteria Version 2. Collection method: clinical testing. Allele origin: germline. Affected: yes. Observed: 1 variant allele.
Comment: FANCI: BP4, BP7

NM_001113378.2(FANCI):c.1119T>C (p.His373=)

Gene: FANCI (FA complementation group I; plus strand). Cytogenetic location: 15q26.1.
Variant type: single nucleotide variant.
Coding change: c.1119T>C on transcript NM_001113378.2 (MANE Select); coding-DNA position 1119, T replaced by C.
Protein change: p.His373=; no amino-acid change (histidine 373 retained).
Molecular consequence: synonymous variant.
Genome position (GRCh38, 1-based): chr15:89,276,717, T>C. VCF-style: chr15-89276717-T-C. GRCh37 (hg19) VCF-style: chr15-89819948-T-C.
Other names: c.840T>C, p.His280= (NM_001376910.1); c.1119T>C, p.His373= (NM_001376911.1, NM_018193.3).
Identifiers: ClinVar variation 2996633 (VCV002996633.25), dbSNP rs1252228926, ClinGen allele CA492071864.